The following is an entry in ClinVar:

ClinVar aggregate classification (germline): Uncertain significance (1 of 4 stars; one submission).

Allele frequency attached by ClinVar (database versions not stated): gnomAD exomes below 0.00001.
gnomAD v4.1: 1 of 1,613,658 alleles (0.000062%); highest among the groups gnomAD compares: Non-Finnish European, 0.000085%; no homozygotes.

Submission:

GeneDx
Classification: Uncertain significance. Last evaluated: 2022-12-02. Review status: criteria provided, single submitter. Criteria: GeneDx Variant Classification Process June 2021. Collection method: clinical testing. Allele origin: germline. Affected: yes.
Comment: Not observed at significant frequency in large population cohorts (gnomAD); In silico analysis supports that this missense variant does not alter protein structure/function; Has not been previously published as pathogenic or benign to our knowledge

NM_130839.5(UBE3A):c.422A>G (p.Glu141Gly)

Genes: SNHG14 (small nucleolar RNA host gene 14; plus strand), UBE3A (ubiquitin protein ligase E3A; minus strand). Cytogenetic location: 15q11.2.
Variant type: single nucleotide variant.
Coding change: c.422A>G on transcript NM_130839.5 (MANE Select); coding-DNA position 422, A replaced by G.
Protein change: p.Glu141Gly; replaces glutamic acid 141 with glycine.
Molecular consequence: missense variant. On other transcripts: non-coding transcript variant (1), intron variant (2).
Genome position (GRCh38, 1-based): chr15:25,371,752, T>C on the plus strand (A>G on the coding strand, the complement: UBE3A is on the minus strand). VCF-style: chr15-25371752-T-C. GRCh37 (hg19) VCF-style: chr15-25616899-T-C.
Other names: c.431A>G, p.Glu144Gly (NM_000462.5); c.422A>G, p.Glu141Gly (NM_001354505.1, NM_001354538.2, NM_001354545.2); c.362A>G, p.Glu121Gly (NM_001354506.2, NM_001354507.2, NM_001354508.2 and 17 more transcripts); c.245A>G, p.Glu82Gly (NM_001354546.2); c.301+3713A>G (NM_001354551.2); c.361+3713A>G (NM_001354550.2); short protein forms E121G, E141G, E144G, E82G.
Identifiers: ClinVar variation 2504226 (VCV002504226.1), dbSNP rs2152823762, ClinGen allele CA391355893.